The following is an entry in ClinVar:

NM_032444.4(SLX4):c.2102del (p.Glu701fs)

Gene: SLX4 (SLX4 structure-specific endonuclease subunit; minus strand). Cytogenetic location: 16p13.3.
Variant type: Deletion.
Coding change: c.2102del on transcript NM_032444.4 (MANE Select); coding-DNA position 2102, one base deleted (A; older notation c.2102delA).
Protein change: p.Glu701fs; shifts the reading frame from glutamic acid 701.
Molecular consequence: frameshift variant.
Genome position (GRCh38, 1-based): chr16:3,594,511, T deleted on the plus strand (A on the coding strand, the reverse complement: SLX4 is on the minus strand). VCF-style (leftmost placement, unchanged base first): chr16-3594510-CT-C. GRCh37 (hg19) VCF-style: chr16-3644511-CT-C.
Other names: short protein forms E701fs.
Identifiers: ClinVar variation 3730645 (VCV003730645.3).

ClinVar aggregate classification (germline): Pathogenic. Review status: criteria provided, multiple submitters, no conflicts (2 of 4 stars). 2 submissions from 2 submitters: Pathogenic (2). Last evaluated 2025-11-20.

Conditions:
Fanconi anemia (FA). Also called: Fanconi's anemia. Identifiers: Orphanet 84, MedGen C0015625, MeSH D005199, MONDO:0019391.
Fanconi anemia complementation group P. Also called: SLX4-Related Fanconi Anemia. Identifiers: Orphanet 84, MedGen C3469542, MONDO:0013499, OMIM 613951.

Submissions (2):

3billion
Classification: Pathogenic for Fanconi anemia complementation group P. Last evaluated: 2025-11-20. Review status: criteria provided, single submitter. Criteria: ACMG Guidelines, 2015. Collection method: clinical testing. Allele origin: germline. Affected: yes.
Comment: The variant is observed at an extremely low frequency in the gnomAD v4.1.0 dataset (total allele frequency: <0.001%). Predicted Consequence/Location: Frameshift: predicted to result in a loss or disruption of normal protein function through nonsense-mediated decay (NMD) or protein truncation. Multiple pathogenic variants are reported downstream of the variant. The variant has been reported to be associated with SLX4-related disorder (ClinVar ID: VCV003730645). Therefore, this variant is classified as Pathogenic according to the recommendation of ACMG/AMP guideline.

Labcorp Genetics (formerly Invitae), Labcorp
Classification: Pathogenic for Fanconi anemia. Last evaluated: 2024-03-25. Review status: criteria provided, single submitter. Criteria: Invitae Variant Classification Sherloc (09022015). Collection method: clinical testing. Allele origin: germline.
Comment: This sequence change creates a premature translational stop signal (p.Glu701Glyfs*21) in the SLX4 gene. It is expected to result in an absent or disrupted protein product. Loss-of-function variants in SLX4 are known to be pathogenic (PMID: 21240277). This variant is not present in population databases (gnomAD no frequency). This variant has not been reported in the literature in individuals affected with SLX4-related conditions. For these reasons, this variant has been classified as Pathogenic.

Literature cited by the submitters: PubMed 21240277 (cited by Labcorp Genetics (formerly Invitae), Labcorp).